The following is an entry in ClinVar:

ClinVar aggregate classification (germline): Pathogenic (1 of 4 stars; one submission).

Conditions:
Peutz-Jeghers syndrome (PJS). Also called: POLYPOSIS, HAMARTOMATOUS INTESTINAL; POLYPS-AND-SPOTS SYNDROME; Peutz-Jeghers polyposis; Periorificial lentiginosis syndrome. Identifiers: Orphanet 2869, MedGen C0031269, MeSH D010580, MONDO:0008280, OMIM 175200.

Submission:

Labcorp Genetics (formerly Invitae), Labcorp
Classification: Pathogenic for Peutz-Jeghers syndrome. Last evaluated: 2020-02-05. Review status: criteria provided, single submitter. Criteria: Invitae Variant Classification Sherloc (09022015). Collection method: clinical testing. Allele origin: germline.
Comment: For these reasons, this variant has been classified as Pathogenic. Similar deletions of exon 2 have been observed in individual(s) with Peutz-Jeghers syndrome (PMID: 22775437, 17924967). It has also been observed to segregate with disease in related individuals. This variant is an in-frame deletion of the genomic region encompassing exon 2 of the STK11 gene. It preserves the integrity of the reading frame.

Literature cited by the submitters: PubMed 22775437; PubMed 17924967.

NC_000019.9:g.(?_1218406)_(1218509_?)del

Gene: STK11 (serine/threonine kinase 11; plus strand). Cytogenetic location: 19p13.3.
Variant type: Deletion.
Identifiers: ClinVar variation 1071855 (VCV001071855.7).